The following is an entry in ClinVar:

NM_006389.5(HYOU1):c.1465C>T (p.His489Tyr)

Gene: HYOU1 (hypoxia up-regulated 1; minus strand). Cytogenetic location: 11q23.3.
Variant type: single nucleotide variant.
Coding change: c.1465C>T on transcript NM_006389.5 (MANE Select); coding-DNA position 1465, C replaced by T.
Protein change: p.His489Tyr; replaces histidine 489 with tyrosine.
Molecular consequence: missense variant.
Genome position (GRCh38, 1-based): chr11:119,051,499, G>A on the plus strand (C>T on the coding strand, the complement: HYOU1 is on the minus strand). VCF-style: chr11-119051499-G-A. GRCh37 (hg19) VCF-style: chr11-118922211-G-A.
Other names: c.1465C>T (NM_006389.3); c.1465C>T, p.His489Tyr (NM_001130991.3); short protein forms H489Y.
Identifiers: ClinVar variation 1345658 (VCV001345658.7), dbSNP rs1277394981, ClinGen allele CA382937445.

ClinVar aggregate classification (germline): Uncertain significance. Review status: criteria provided, multiple submitters, no conflicts (2 of 4 stars). 2 submissions from 2 submitters: Uncertain significance (2). Last evaluated 2025-01-29.

gnomAD v4.1: 43 of 1,614,158 alleles (0.0027%); highest among the groups gnomAD compares: Non-Finnish European, 0.0033%; no homozygotes.

Submissions (2):

Labcorp Genetics (formerly Invitae), Labcorp
Classification: Uncertain significance. Last evaluated: 2025-01-29. Review status: criteria provided, single submitter. Criteria: Invitae Variant Classification Sherloc (09022015). Collection method: clinical testing. Allele origin: germline.
Comment: This sequence change replaces histidine, which is basic and polar, with tyrosine, which is neutral and polar, at codon 489 of the HYOU1 protein (p.His489Tyr). This variant is present in population databases (no rsID available, gnomAD 0.005%). This variant has not been reported in the literature in individuals affected with HYOU1-related conditions. ClinVar contains an entry for this variant (Variation ID: 1345658). Experimental studies and prediction algorithms are not available or were not evaluated, and the functional significance of this variant is currently unknown. In summary, the available evidence is currently insufficient to determine the role of this variant in disease. Therefore, it has been classified as a Variant of Uncertain Significance.

Ambry Genetics
Classification: Uncertain significance. Last evaluated: 2024-08-04. Review status: criteria provided, single submitter. Criteria: Ambry Variant Classification Scheme 2023. Collection method: clinical testing. Allele origin: germline.